The following is an entry in ClinVar:

NM_001127222.2(CACNA1A):c.6751G>A (p.Glu2251Lys)

Genes: CACNA1A (calcium voltage-gated channel subunit alpha1 A; minus strand), LOC130063717 (ATAC-STARR-seq lymphoblastoid silent region 10203; plus strand). Cytogenetic location: 19p13.13.
Variant type: single nucleotide variant.
Coding change: c.6751G>A on transcript NM_001127222.2 (MANE Select); coding-DNA position 6751, G replaced by A.
Protein change: p.Glu2251Lys; replaces glutamic acid 2251 with lysine.
Molecular consequence: missense variant.
Genome position (GRCh38, 1-based): chr19:13,208,785, C>T on the plus strand (G>A on the coding strand, the complement: CACNA1A is on the minus strand). VCF-style: chr19-13208785-C-T. GRCh37 (hg19) VCF-style: chr19-13319599-C-T.
Other names: c.6769G>A, p.Glu2257Lys (NM_000068.4, NM_023035.3); c.6754G>A, p.Glu2252Lys (NM_001127221.2); c.6760G>A, p.Glu2254Lys (NM_001174080.2); short protein forms E2252K, E2251K, E2254K, E2257K.
Identifiers: ClinVar variation 579755 (VCV000579755.14), dbSNP rs758625682, ClinGen allele CA9239271.
Genomic context (GRCh38, chr19:13,208,785, plus strand): 5'-CCAGCCTGGGGTCACTTGCAGCCGCACCCACCTGCCGGTGCGCCATGTGCTCTCGGCCCT[C>T]GCTGGGCGAGCGGGACCAGCGCTGGTCCCGAGCCCGTGCCCGGCCGTGGTCCGGCCGTTC-3'
Protein context (NP_001120694.1, residues 2241-2261): RDQRWSRSPS[Glu2251Lys]GREHMAHRQG

ClinVar aggregate classification (germline): Conflicting classifications of pathogenicity. Review status: criteria provided, conflicting classifications (1 of 4 stars). 2 submissions from 2 submitters: Uncertain significance (1); Likely benign (1). Last evaluated 2026-08-01.

Conditions:
Episodic ataxia type 2 (EA2). Also called: ACETAZOLAMIDE-RESPONSIVE HEREDITARY PAROXYSMAL CEREBELLAR ATAXIA; CEREBELLAR ATAXIA, PAROXYSMAL, ACETAZOLAMIDE-RESPONSIVE; CEREBELLOPATHY, HEREDITARY PAROXYSMAL; EPISODIC ATAXIA, NYSTAGMUS-ASSOCIATED; ATAXIA, EPISODIC, WITH NYSTAGMUS; ATAXIA, FAMILIAL PAROXYSMAL. Identifiers: Orphanet 97, MedGen C1720416, MONDO:0007163, OMIM 108500.
Developmental and epileptic encephalopathy, 42 (DEE42A). Also called: DEVELOPMENTAL AND EPILEPTIC ENCEPHALOPATHY 42A; EPILEPTIC ENCEPHALOPATHY, EARLY INFANTILE, 42A; Epileptic encephalopathy, early infantile, 42. Identifiers: MedGen C4310716, MONDO:0014917, OMIM 617106.

Allele frequency attached by ClinVar (database versions not stated): gnomAD exomes 0.00001; ExAC 0.00005; gnomAD 0.00005; TOPMed 0.00006.
gnomAD v4.1: 23 of 1,553,364 alleles (0.0015%); highest among the groups gnomAD compares: African/African-American, 0.012%; no homozygotes.

Submissions (2):

GeneDx
Classification: Uncertain significance. Last evaluated: 2026-08-01. Review status: criteria provided, single submitter. Criteria: GeneDx Variant Classification Process June 2021. Collection method: clinical testing. Allele origin: germline.
Comment: Has not been previously published as pathogenic or benign to our knowledge; In silico analysis suggests that this missense variant does not alter protein structure/function

Labcorp Genetics (formerly Invitae), Labcorp
Classification: Likely benign for Developmental and epileptic encephalopathy, 42; Episodic ataxia type 2. Last evaluated: 2024-04-08. Review status: criteria provided, single submitter. Criteria: Invitae Variant Classification Sherloc (09022015). Collection method: clinical testing. Allele origin: germline.